The following is an entry in ClinVar:

NM_012079.6(DGAT1):c.1085G>A (p.Arg362Gln)

Genes: DGAT1 (diacylglycerol O-acyltransferase 1; minus strand), LOC130001383 (ATAC-STARR-seq lymphoblastoid active region 28093; plus strand). Cytogenetic location: 8q24.3.
Variant type: single nucleotide variant.
Coding change: c.1085G>A on transcript NM_012079.6 (MANE Select); coding-DNA position 1085, G replaced by A.
Protein change: p.Arg362Gln; replaces arginine 362 with glutamine.
Molecular consequence: missense variant.
Genome position (GRCh38, 1-based): chr8:144,317,342, C>T on the plus strand (G>A on the coding strand, the complement: DGAT1 is on the minus strand). VCF-style: chr8-144317342-C-T. GRCh37 (hg19) VCF-style: chr8-145541005-C-T.
Other names: short protein forms R362Q.
Identifiers: ClinVar variation 1982081 (VCV001982081.2), dbSNP rs138800445, ClinGen allele CA4936691.

ClinVar aggregate classification (germline): Uncertain significance (1 of 4 stars; one submission).

Allele frequency attached by ClinVar (database versions not stated): ExAC 0.00002; ESP Exome Variant Server 0.00008.

Submission:

Labcorp Genetics (formerly Invitae), Labcorp
Classification: Uncertain significance. Last evaluated: 2022-05-29. Review status: criteria provided, single submitter. Criteria: Invitae Variant Classification Sherloc (09022015). Collection method: clinical testing. Allele origin: germline.
Comment: This variant has not been reported in the literature in individuals affected with DGAT1-related conditions. This sequence change replaces arginine, which is basic and polar, with glutamine, which is neutral and polar, at codon 362 of the DGAT1 protein (p.Arg362Gln). This variant is present in population databases (rs138800445, gnomAD 0.02%). Algorithms developed to predict the effect of missense changes on protein structure and function are either unavailable or do not agree on the potential impact of this missense change (SIFT: "Tolerated"; PolyPhen-2: "Possibly Damaging"; Align-GVGD: "Class C0"). In summary, the available evidence is currently insufficient to determine the role of this variant in disease. Therefore, it has been classified as a Variant of Uncertain Significance.